The following is an entry in ClinVar:

ClinVar aggregate classification (germline): Uncertain significance (1 of 4 stars; one submission).

Conditions:
Glycogen storage disease type III (GSD3). Also called: Cori disease; FORBES DISEASE. Identifiers: Orphanet 366, MedGen C0017922, MONDO:0009291, OMIM 232400.

Allele frequency attached by ClinVar (database versions not stated): gnomAD exomes below 0.00001.
gnomAD v4.1: 1 of 1,612,882 alleles (0.000062%); highest among the groups gnomAD compares: Non-Finnish European, 0.000085%; no homozygotes.

Submission:

Labcorp Genetics (formerly Invitae), Labcorp
Classification: Uncertain significance for Glycogen storage disease type III. Last evaluated: 2022-05-28. Review status: criteria provided, single submitter. Criteria: Invitae Variant Classification Sherloc (09022015). Collection method: clinical testing. Allele origin: germline.
Comment: This variant has not been reported in the literature in individuals affected with AGL-related conditions. This sequence change replaces cysteine, which is neutral and slightly polar, with phenylalanine, which is neutral and non-polar, at codon 1256 of the AGL protein (p.Cys1256Phe). This variant is not present in population databases (gnomAD no frequency). Algorithms developed to predict the effect of missense changes on protein structure and function (SIFT, PolyPhen-2, Align-GVGD) all suggest that this variant is likely to be disruptive. In summary, the available evidence is currently insufficient to determine the role of this variant in disease. Therefore, it has been classified as a Variant of Uncertain Significance.

NM_000642.3(AGL):c.3767G>T (p.Cys1256Phe)

Gene: AGL (amylo-alpha-1,6-glucosidase and 4-alpha-glucanotransferase; plus strand). Cytogenetic location: 1p21.2.
Variant type: single nucleotide variant.
Coding change: c.3767G>T on transcript NM_000642.3 (MANE Select); coding-DNA position 3767, G replaced by T.
Protein change: p.Cys1256Phe; replaces cysteine 1256 with phenylalanine.
Molecular consequence: missense variant.
Genome position (GRCh38, 1-based): chr1:99,910,778, G>T. VCF-style: chr1-99910778-G-T. GRCh37 (hg19) VCF-style: chr1-100376334-G-T.
Other names: c.3767G>T, p.Cys1256Phe (NM_000028.3, NM_000643.3, NM_000644.3 and 1 more transcripts); c.3719G>T, p.Cys1240Phe (NM_000646.3); c.3746G>T, p.Cys1249Phe (NM_001425326.1); c.3566G>T, p.Cys1189Phe (NM_001425327.1); c.3563G>T, p.Cys1188Phe (NM_001425328.1); c.3428G>T, p.Cys1143Phe (NM_001425329.1); c.3389G>T, p.Cys1130Phe (NM_001425332.1); short protein forms C1256F, C1240F, C1130F, C1143F, C1188F, C1189F, C1249F.
Identifiers: ClinVar variation 1983208 (VCV001983208.4), dbSNP rs2523798497, ClinGen allele CA341337727.